The following is an entry in ClinVar:

ClinVar aggregate classification (germline): Uncertain significance. Review status: criteria provided, multiple submitters, no conflicts (2 of 4 stars). 4 submissions from 4 submitters: Uncertain significance (4). Last evaluated 2026-01-19.

Conditions:
Spastic paraplegia. Identifiers: MedGen C0037772, HP:0001258.
KIF5A-related disorder. Also called: KIF5A-related disorders; KIF5A-related condition.

Allele frequency attached by ClinVar (database versions not stated): gnomAD exomes below 0.00001 and 0.00001.
gnomAD v4.1: 15 of 1,614,010 alleles (0.00093%); highest among the groups gnomAD compares: Non-Finnish European, 0.0012%; no homozygotes.

Submissions (4):

Labcorp Genetics (formerly Invitae), Labcorp
Classification: Uncertain significance for Spastic paraplegia. Last evaluated: 2026-01-19. Review status: criteria provided, single submitter. Criteria: Invitae Variant Classification Sherloc (09022015). Collection method: clinical testing. Allele origin: germline.
Comment: This sequence change replaces arginine, which is basic and polar, with glutamine, which is neutral and polar, at codon 604 of the KIF5A protein (p.Arg604Gln). This variant is present in population databases (no rsID available, gnomAD 0.0009%). This variant has not been reported in the literature in individuals affected with KIF5A-related conditions. ClinVar contains an entry for this variant (Variation ID: 1500314). Invitae Evidence Modeling of protein sequence and biophysical properties (such as structural, functional, and spatial information, amino acid conservation, physicochemical variation, residue mobility, and thermodynamic stability) has been performed for this missense variant. However, the output from this modeling did not meet the statistical confidence thresholds required to predict the impact of this variant on KIF5A protein function. In summary, the available evidence is currently insufficient to determine the role of this variant in disease. Therefore, it has been classified as a Variant of Uncertain Significance.

ARUP Laboratories, Molecular Genetics and Genomics, ARUP Laboratories
Classification: Uncertain significance. Last evaluated: 2024-12-12. Review status: criteria provided, single submitter. Criteria: ARUP Molecular Germline Variant Investigation Process 2024. Collection method: clinical testing. Allele origin: germline.
Comment: The KIF5A c.1811G>A; p.Arg604Gln variant (rs931757596), to our knowledge, is not reported in the medical literature but is reported in ClinVar (Variation ID: 1500314). This variant is only observed on one allele in the Genome Aggregation Database (v2.1.1), indicating it is not a common polymorphism. This variant does not occur in the KIF5A motor domain, and computational analyses are uncertain whether this variant is neutral or deleterious (REVEL: 0.592). Due to limited information, the clinical significance of this variant is uncertain at this time.

PreventionGenetics, part of Exact Sciences
Classification: Uncertain significance for KIF5A-related condition. Last evaluated: 2024-10-08. Review status: criteria provided, single submitter. Criteria: ACMG Guidelines, 2015. Collection method: clinical testing. Allele origin: germline.
Comment: The KIF5A c.1811G>A variant is predicted to result in the amino acid substitution p.Arg604Gln. To our knowledge, this variant has not been reported in the literature. This variant is reported in 0.00088% of alleles in individuals of European (Non-Finnish) descent in gnomAD. At this time, the clinical significance of this variant is uncertain due to the absence of conclusive functional and genetic evidence.

GeneDx
Classification: Uncertain significance. Last evaluated: 2024-03-13. Review status: criteria provided, single submitter. Criteria: GeneDx Variant Classification Process June 2021. Collection method: clinical testing. Allele origin: germline. Affected: yes.
Comment: In silico analysis supports that this missense variant has a deleterious effect on protein structure/function; Has not been previously published as pathogenic or benign to our knowledge

NM_004984.4(KIF5A):c.1811G>A (p.Arg604Gln)

Gene: KIF5A (kinesin family member 5A; plus strand). Cytogenetic location: 12q13.3.
Variant type: single nucleotide variant.
Coding change: c.1811G>A on transcript NM_004984.4 (MANE Select); coding-DNA position 1811, G replaced by A.
Protein change: p.Arg604Gln; replaces arginine 604 with glutamine.
Molecular consequence: missense variant.
Genome position (GRCh38, 1-based): chr12:57,575,178, G>A. VCF-style: chr12-57575178-G-A. GRCh37 (hg19) VCF-style: chr12-57968961-G-A.
Other names: c.1544G>A, p.Arg515Gln (NM_001354705.2); c.1811G>A (NM_004984.2); short protein forms R515Q, R604Q.
Identifiers: ClinVar variation 1500314 (VCV001500314.13), dbSNP rs931757596, ClinGen allele CA237786643.